The following is an entry in ClinVar:

NM_004385.5(VCAN):c.*31A>G

Gene: VCAN (versican; plus strand). Cytogenetic location: 5q14.3.
Variant type: single nucleotide variant.
Coding change: c.*31A>G on transcript NM_004385.5 (MANE Select); 31 bases downstream of the stop codon, A replaced by G.
Molecular consequence: 3 prime UTR variant.
Genome position (GRCh38, 1-based): chr5:83,580,465, A>G. VCF-style: chr5-83580465-A-G. GRCh37 (hg19) VCF-style: chr5-82876284-A-G.
Other names: c.*31A>G (NM_001126336.3, NM_001164097.2, NM_001164098.2).
Identifiers: ClinVar variation 354470 (VCV000354470.7), dbSNP rs17206014, ClinGen allele CA3334192.

ClinVar aggregate classification (germline): Benign/Likely benign. Review status: criteria provided, multiple submitters, no conflicts (2 of 4 stars). 2 submissions from 2 submitters: Benign (1); Likely benign (1). Last evaluated 2018-01-13.

Conditions:
Vitreoretinopathy. Also called: Vitreoretinal degeneration. Identifiers: MedGen C0344290, MONDO:0020248, HP:0007773.

Allele frequency attached by ClinVar (database versions not stated): 1000 Genomes Project 0.00799; 1000 Genomes Project 30x 0.00874; ExAC 0.01739; gnomAD exomes 0.01843 and 0.02867; TOPMed 0.01965; gnomAD 0.01972 and 0.02076; ESP Exome Variant Server 0.02491.
gnomAD v4.1: 44,478 of 1,612,876 alleles (2.8%); highest among the groups gnomAD compares: Non-Finnish European, 3.4%; 743 homozygotes.

Submissions (2):

Illumina Laboratory Services, Illumina
Classification: Benign for Vitreoretinopathy. Last evaluated: 2018-01-13. Review status: criteria provided, single submitter. Criteria: ICSL Variant Classification Criteria 13 December 2019. Collection method: clinical testing. Allele origin: germline.
Comment: This variant was observed in the ICSL laboratory as part of a predisposition screen in an ostensibly healthy population. It had not been previously curated by ICSL or reported in the Human Gene Mutation Database (HGMD: prior to June 1st, 2018), and was therefore a candidate for classification through an automated scoring system. Utilizing variant allele frequency, disease prevalence and penetrance estimates, and inheritance mode, an automated score was calculated to assess if this variant is too frequent to cause the disease. Based on the score and internal cut-off values, a variant classified as benign is not then subjected to further curation. The score for this variant resulted in a classification of benign for this disease.

Breakthrough Genomics
Classification: Likely benign. Review status: criteria provided, single submitter. Criteria: ACMG Guidelines, 2015. Collection method: not provided. Allele origin: germline. Inheritance: Autosomal dominant inheritance. Affected: yes.